The following is an entry in ClinVar:

NM_001127222.2(CACNA1A):c.3042G>C (p.Glu1014Asp)

Gene: CACNA1A (calcium voltage-gated channel subunit alpha1 A; minus strand). Cytogenetic location: 19p13.13.
Variant type: single nucleotide variant.
Coding change: c.3042G>C on transcript NM_001127222.2 (MANE Select); coding-DNA position 3042, G replaced by C.
Protein change: p.Glu1014Asp; replaces glutamic acid 1014 with aspartic acid.
Molecular consequence: missense variant.
Genome position (GRCh38, 1-based): chr19:13,298,591, C>G on the plus strand (G>C on the coding strand, the complement: CACNA1A is on the minus strand). VCF-style: chr19-13298591-C-G. GRCh37 (hg19) VCF-style: chr19-13409405-C-G.
Other names: c.3045G>C (NM_000068.2); c.3054G>C, p.Glu1018Asp (NM_000068.4, NM_023035.3); c.3045G>C, p.Glu1015Asp (NM_001127221.2, NM_001174080.2); short protein forms E1018D, E1015D, E1014D.
Identifiers: ClinVar variation 1426917 (VCV001426917.8), dbSNP rs868354475, ClinGen allele CA404342192.
Genomic context (GRCh38, chr19:13,298,591, plus strand): 5'-CACCTCCACTTACTTCCTCCTCCGATGCCTCCGCTCCTTGTCCTCCCTCCGCGCGTCCCC[C>G]TCGTACGTGGCTGGAGCGCCATGCCGGTGCCTTCTCCTGCGCTCGCCCCCGTCGGGGCCC-3'
Protein context (NP_001120694.1, residues 1004-1024): RHRHGAPATY[Glu1014Asp]GDARREDKER

ClinVar aggregate classification (germline): Uncertain significance. Review status: criteria provided, multiple submitters, no conflicts (2 of 4 stars). 3 submissions from 3 submitters: Uncertain significance (3). Last evaluated 2024-02-05.

Conditions:
Episodic ataxia type 2 (EA2). Also called: CEREBELLAR ATAXIA, PAROXYSMAL, ACETAZOLAMIDE-RESPONSIVE; CEREBELLOPATHY, HEREDITARY PAROXYSMAL; EPISODIC ATAXIA, NYSTAGMUS-ASSOCIATED; ACETAZOLAMIDE-RESPONSIVE HEREDITARY PAROXYSMAL CEREBELLAR ATAXIA; ATAXIA, EPISODIC, WITH NYSTAGMUS; ATAXIA, FAMILIAL PAROXYSMAL. Identifiers: Orphanet 97, MedGen C1720416, MONDO:0007163, OMIM 108500.
Developmental and epileptic encephalopathy, 42 (DEE42A). Also called: Epileptic encephalopathy, early infantile, 42; DEVELOPMENTAL AND EPILEPTIC ENCEPHALOPATHY 42A; EPILEPTIC ENCEPHALOPATHY, EARLY INFANTILE, 42A. Identifiers: MedGen C4310716, MONDO:0014917, OMIM 617106.

gnomAD v4.1: 1 of 1,541,902 alleles (0.000065%); highest among the groups gnomAD compares: Non-Finnish European, 0.000088%; no homozygotes.

Submissions (3):

Athena Diagnostics
Classification: Uncertain significance. Last evaluated: 2024-02-05. Review status: criteria provided, single submitter. Criteria: Athena Diagnostics Criteria. Collection method: clinical testing. Allele origin: unknown.
Comment: Available data are insufficient to determine the clinical significance of the variant at this time. This variant has not been reported in large, multi-ethnic general populations. Computational tools predict that this variant is not damaging.

Labcorp Genetics (formerly Invitae), Labcorp
Classification: Uncertain significance for Developmental and epileptic encephalopathy, 42; Episodic ataxia type 2. Last evaluated: 2023-12-06. Review status: criteria provided, single submitter. Criteria: Invitae Variant Classification Sherloc (09022015). Collection method: clinical testing. Allele origin: germline.
Comment: This sequence change replaces glutamic acid, which is acidic and polar, with aspartic acid, which is acidic and polar, at codon 1015 of the CACNA1A protein (p.Glu1015Asp). This variant is not present in population databases (gnomAD no frequency). This variant has not been reported in the literature in individuals affected with CACNA1A-related conditions. ClinVar contains an entry for this variant (Variation ID: 1426917). Advanced modeling of protein sequence and biophysical properties (such as structural, functional, and spatial information, amino acid conservation, physicochemical variation, residue mobility, and thermodynamic stability) performed at Invitae indicates that this missense variant is not expected to disrupt CACNA1A protein function with a negative predictive value of 95%. In summary, the available evidence is currently insufficient to determine the role of this variant in disease. Therefore, it has been classified as a Variant of Uncertain Significance.

Blueprint Genetics
Classification: Uncertain significance. Last evaluated: 2021-05-04. Review status: criteria provided, single submitter. Criteria: ACMG Guidelines, 2015. Collection method: clinical testing. Allele origin: germline.